The following is an entry in ClinVar:

ClinVar aggregate classification (germline): Uncertain significance (1 of 4 stars; one submission).

Conditions:
Inborn genetic diseases. Identifiers: MedGen C0950123, MeSH D030342.

Submission:

Ambry Genetics
Classification: Uncertain significance for Inborn genetic diseases. Last evaluated: 2025-05-11. Review status: criteria provided, single submitter. Criteria: Ambry Variant Classification Scheme 2023. Collection method: clinical testing. Allele origin: germline.
Comment: The p.G366V variant (also known as c.1097G>T), located in coding exon 6 of the ERCC6L2 gene, results from a G to T substitution at nucleotide position 1097. The glycine at codon 366 is replaced by valine, an amino acid with dissimilar properties. This amino acid position is conserved. In addition, the in silico prediction for this alteration is inconclusive. Based on the available evidence, the clinical significance of this variant remains unclear.

NM_020207.7(ERCC6L2):c.1097G>T (p.Gly366Val)

Gene: ERCC6L2 (ERCC excision repair 6 like 2; plus strand). Cytogenetic location: 9q22.32.
Variant type: single nucleotide variant.
Coding change: c.1097G>T on transcript NM_020207.7 (MANE Select); coding-DNA position 1097, G replaced by T.
Protein change: p.Gly366Val; replaces glycine 366 with valine.
Molecular consequence: missense variant. On other transcripts: non-coding transcript variant (1).
Genome position (GRCh38, 1-based): chr9:95,916,373, G>T. VCF-style: chr9-95916373-G-T. GRCh37 (hg19) VCF-style: chr9-98678655-G-T.
Other names: c.1097G>T, p.Gly366Val (NM_001010895.4, NM_001375291.1, NM_001375292.1 and 2 more transcripts); short protein forms G366V.
Identifiers: ClinVar variation 4019352 (VCV004019352.1).